The following is an entry in ClinVar:

NM_020911.2(PLXNA4):c.220C>G (p.Leu74Val)

Gene: PLXNA4 (plexin A4; minus strand). Cytogenetic location: 7q32.3.
Variant type: single nucleotide variant.
Coding change: c.220C>G on transcript NM_020911.2 (MANE Select); coding-DNA position 220, C replaced by G.
Protein change: p.Leu74Val; replaces leucine 74 with valine.
Molecular consequence: missense variant.
Genome position (GRCh38, 1-based): chr7:132,508,474, G>C on the plus strand (C>G on the coding strand, the complement: PLXNA4 is on the minus strand). VCF-style: chr7-132508474-G-C. GRCh37 (hg19) VCF-style: chr7-132193233-G-C.
Other names: c.220C>G, p.Leu74Val (NM_181775.4, NM_001105543.2, NM_001393897.1); short protein forms L74V.
Identifiers: ClinVar variation 2630282 (VCV002630282.2), dbSNP rs2536778908, ClinGen allele CA369463566.

ClinVar aggregate classification (germline): Uncertain significance. Review status: criteria provided, multiple submitters, no conflicts (2 of 4 stars). 2 submissions from 2 submitters: Uncertain significance (2). Last evaluated 2025-10-23.

Conditions:
PLXNA4-related disorder. Also called: PLXNA4-related condition.

Allele frequency attached by ClinVar (database versions not stated): gnomAD exomes below 0.00001.
gnomAD v4.1: 1 of 1,614,206 alleles (0.000062%); highest among the groups gnomAD compares: Non-Finnish European, 0.000085%; no homozygotes.

Submissions (2):

Ambry Genetics
Classification: Uncertain significance. Last evaluated: 2025-10-23. Review status: criteria provided, single submitter. Criteria: Ambry Variant Classification Scheme 2023. Collection method: clinical testing. Allele origin: germline.

PreventionGenetics, part of Exact Sciences
Classification: Uncertain significance for PLXNA4-related condition. Last evaluated: 2023-08-31. Review status: criteria provided, single submitter. Criteria: ACMG Guidelines, 2015. Collection method: clinical testing. Allele origin: germline.
Comment: The PLXNA4 c.220C>G variant is predicted to result in the amino acid substitution p.Leu74Val. To our knowledge, this variant has not been reported in the literature or in a large population database, indicating this variant is rare. At this time, the clinical significance of this variant is uncertain due to the absence of conclusive functional and genetic evidence.